The following is an entry in ClinVar:

NM_006030.4(CACNA2D2):c.2234+1G>T

Genes: CACNA2D2 (calcium voltage-gated channel auxiliary subunit alpha2delta 2; minus strand), LOC101928965 (uncharacterized LOC101928965; plus strand), LOC127898564 (CYB561D2-LOC101928965; plus strand). Cytogenetic location: 3p21.31.
Variant type: single nucleotide variant.
Coding change: c.2234+1G>T on transcript NM_006030.4 (MANE Select); the canonical splice donor site of the intron after coding-DNA position 2234, G replaced by T.
Molecular consequence: splice donor variant. On other transcripts: non-coding transcript variant (10).
Genome position (GRCh38, 1-based): chr3:50,367,811, C>A on the plus strand (G>T on the coding strand, the complement: CACNA2D2 is on the minus strand). VCF-style: chr3-50367811-C-A. GRCh37 (hg19) VCF-style: chr3-50405242-C-A.
Other names: c.2027+1G>T (NM_001291101.1); c.2234+1G>T (NM_001005505.3, NM_001410768.1); c.2255+1G>T (NM_001174051.3).
Identifiers: ClinVar variation 2024719 (VCV002024719.4), dbSNP rs749539763, ClinGen allele CA352914787.

ClinVar aggregate classification (germline): Likely pathogenic (1 of 4 stars; one submission).

Conditions:
Early-infantile DEE. Also called: Ohtahara syndrome; Early infantile epileptic encephalopathy with suppression bursts; Early infantile epileptic encephalopathy. Identifiers: Orphanet 1934, MedGen C0393706, MONDO:0800491.

Submission:

Labcorp Genetics (formerly Invitae), Labcorp
Classification: Likely pathogenic for Early-infantile DEE. Last evaluated: 2022-12-18. Review status: criteria provided, single submitter. Criteria: Invitae Variant Classification Sherloc (09022015). Collection method: clinical testing. Allele origin: germline.
Comment: In summary, the currently available evidence indicates that the variant is pathogenic, but additional data are needed to prove that conclusively. Therefore, this variant has been classified as Likely Pathogenic. Algorithms developed to predict the effect of sequence changes on RNA splicing suggest that this variant may disrupt the consensus splice site. This variant has not been reported in the literature in individuals affected with CACNA2D2-related conditions. This variant is not present in population databases (gnomAD no frequency). This sequence change affects a donor splice site in intron 25 of the CACNA2D2 gene. It is expected to disrupt RNA splicing. Variants that disrupt the donor or acceptor splice site typically lead to a loss of protein function (PMID: 16199547), and loss-of-function variants in CACNA2D2 are known to be pathogenic (PMID: 24358150).

Literature cited by the submitters: PubMed 16199547; PubMed 24358150.